The following is an entry in ClinVar:

NM_000059.4(BRCA2):c.1628A>C (p.His543Pro)

Gene: BRCA2 (BRCA2 DNA repair associated; plus strand). Cytogenetic location: 13q13.1.
Variant type: single nucleotide variant.
Coding change: c.1628A>C on transcript NM_000059.4 (MANE Select); coding-DNA position 1628, A replaced by C.
Protein change: p.His543Pro; replaces histidine 543 with proline.
Molecular consequence: missense variant.
Genome position (GRCh38, 1-based): chr13:32,333,106, A>C. VCF-style: chr13-32333106-A-C. GRCh37 (hg19) VCF-style: chr13-32907243-A-C.
Other names: c.1628A>C, p.His543Pro (NM_001406719.1, NM_001406720.1, NM_001406721.1); short protein forms H543P.
Identifiers: ClinVar variation 1776732 (VCV001776732.4), dbSNP rs1555281992, ClinGen allele CA387764921.

ClinVar aggregate classification (germline): Conflicting classifications of pathogenicity. Review status: criteria provided, conflicting classifications (1 of 4 stars). 2 submissions from 2 submitters: Uncertain significance (1); Likely benign (1). Last evaluated 2023-03-23.

Conditions:
Hereditary cancer-predisposing syndrome. Also called: Neoplastic Syndromes, Hereditary; Tumor predisposition; Hereditary Cancer Syndrome; Hereditary neoplastic syndrome. Identifiers: Orphanet 140162, MedGen C0027672, MeSH D009386, MONDO:0015356.

Submissions (2):

University of Washington Department of Laboratory Medicine, University of Washington
Classification: Likely benign for Hereditary cancer-predisposing syndrome. Last evaluated: 2023-03-23. Review status: criteria provided, single submitter. Criteria: Dines et al. (Genet Med. 2020). Collection method: curation. Allele origin: germline.
Comment: Missense variant in a coldspot region where missense variants are very unlikely to be pathogenic (PMID:31911673).

BRCA2 exon 10 coldspot. Reclassification based on statistical prior probability.

Ambry Genetics
Classification: Uncertain significance for Hereditary cancer-predisposing syndrome. Last evaluated: 2020-12-22. Review status: criteria provided, single submitter. Criteria: Ambry Variant Classification Scheme 2023. Collection method: clinical testing. Allele origin: germline.
Comment: The p.H543P variant (also known as c.1628A>C), located in coding exon 9 of the BRCA2 gene, results from an A to C substitution at nucleotide position 1628. The histidine at codon 543 is replaced by proline, an amino acid with similar properties. This amino acid position is not well conserved in available vertebrate species. In addition, this alteration is predicted to be tolerated by in silico analysis. Since supporting evidence is limited at this time, the clinical significance of this alteration remains unclear.